The following is an entry in ClinVar:

ClinVar aggregate classification (germline): Uncertain significance (1 of 4 stars; one submission).

Conditions:
Immunodeficiency 23 (IMD23). Also called: IMMUNODEFICIENCY WITH HYPER IgE AND COGNITIVE IMPAIRMENT; IMMUNODEFICIENCY-VASCULITIS-MYOCLONUS SYNDROME. Identifiers: Orphanet 443811, MedGen C4014371, MONDO:0014353, OMIM 615816.

Submission:

Labcorp Genetics (formerly Invitae), Labcorp
Classification: Uncertain significance for Immunodeficiency 23. Last evaluated: 2021-03-06. Review status: criteria provided, single submitter. Criteria: Invitae Variant Classification Sherloc (09022015). Collection method: clinical testing. Allele origin: germline.
Comment: In summary, the available evidence is currently insufficient to determine the role of this variant in disease. Therefore, it has been classified as a Variant of Uncertain Significance. Algorithms developed to predict the effect of missense changes on protein structure and function (SIFT, PolyPhen-2, Align-GVGD) all suggest that this variant is likely to be disruptive, but these predictions have not been confirmed by published functional studies and their clinical significance is uncertain. This variant has not been reported in the literature in individuals with PGM3-related conditions. This variant is not present in population databases (ExAC no frequency). This sequence change replaces leucine with proline at codon 76 of the PGM3 protein (p.Leu76Pro). The leucine residue is highly conserved and there is a moderate physicochemical difference between leucine and proline.

NM_015599.3(PGM3):c.143T>C (p.Leu48Pro)

Gene: PGM3 (phosphoglucomutase 3; minus strand). Cytogenetic location: 6q14.1.
Variant type: single nucleotide variant.
Coding change: c.143T>C on transcript NM_015599.3 (MANE Select); coding-DNA position 143, T replaced by C.
Protein change: p.Leu48Pro; replaces leucine 48 with proline.
Molecular consequence: missense variant. On other transcripts: non-coding transcript variant (1), intron variant (1).
Genome position (GRCh38, 1-based): chr6:83,190,870, A>G on the plus strand (T>C on the coding strand, the complement: PGM3 is on the minus strand). VCF-style: chr6-83190870-A-G. GRCh37 (hg19) VCF-style: chr6-83900589-A-G.
Other names: c.227T>C, p.Leu76Pro (NM_001199917.2, NM_001367287.1); c.143T>C, p.Leu48Pro (NM_001199919.2, NM_001367286.1); c.-39-2072T>C (NM_001199918.2); short protein forms L76P, L48P.
Identifiers: ClinVar variation 1489663 (VCV001489663.8), dbSNP rs2128508906, ClinGen allele CA364853662.